The following is an entry in ClinVar:

ClinVar aggregate classification (germline): Uncertain significance. Review status: criteria provided, multiple submitters, no conflicts (2 of 4 stars). 2 submissions from 2 submitters: Uncertain significance (2). Last evaluated 2026-06-13.

Conditions:
PHIP-related disorder. Also called: PHIP-related condition; PHIP-related disorders.

Allele frequency attached by ClinVar (database versions not stated): gnomAD exomes 0.00001; TOPMed 0.00001.
gnomAD v4.1: 9 of 1,614,052 alleles (0.00056%); highest among the groups gnomAD compares: South Asian, 0.0022%; no homozygotes.

Submissions (2):

PreventionGenetics, part of Exact Sciences
Classification: Uncertain significance for PHIP-related condition. Last evaluated: 2026-06-13. Review status: criteria provided, single submitter. Criteria: ACMG Guidelines, 2015. Collection method: clinical testing. Allele origin: germline.
Comment: The PHIP c.4949A>G variant is predicted to result in the amino acid substitution p.Asn1650Ser. To our knowledge, this variant has not been reported in the literature. This variant is reported in 0.0033% of alleles in individuals of South Asian descent in gnomAD. At this time, the clinical significance of this variant is uncertain due to the absence of conclusive functional and genetic evidence.

Labcorp Genetics (formerly Invitae), Labcorp
Classification: Uncertain significance. Last evaluated: 2023-02-08. Review status: criteria provided, single submitter. Criteria: Invitae Variant Classification Sherloc (09022015). Collection method: clinical testing. Allele origin: germline.
Comment: This sequence change replaces asparagine, which is neutral and polar, with serine, which is neutral and polar, at codon 1650 of the PHIP protein (p.Asn1650Ser). This variant is present in population databases (rs767510206, gnomAD 0.003%). This variant has not been reported in the literature in individuals affected with PHIP-related conditions. Advanced modeling of protein sequence and biophysical properties (such as structural, functional, and spatial information, amino acid conservation, physicochemical variation, residue mobility, and thermodynamic stability) performed at Invitae indicates that this missense variant is not expected to disrupt PHIP protein function. In summary, the available evidence is currently insufficient to determine the role of this variant in disease. Therefore, it has been classified as a Variant of Uncertain Significance.

NM_017934.7(PHIP):c.4949A>G (p.Asn1650Ser)

Genes: IRAK1BP1 (interleukin 1 receptor associated kinase 1 binding protein 1; plus strand), PHIP (PHIP subunit of CUL4-Ring ligase complex; minus strand). Cytogenetic location: 6q14.1.
Variant type: single nucleotide variant.
Coding change: c.4949A>G on transcript NM_017934.7 (MANE Select); coding-DNA position 4949, A replaced by G.
Protein change: p.Asn1650Ser; replaces asparagine 1650 with serine.
Molecular consequence: missense variant.
Genome position (GRCh38, 1-based): chr6:78,941,210, T>C on the plus strand (A>G on the coding strand, the complement: PHIP is on the minus strand). VCF-style: chr6-78941210-T-C. GRCh37 (hg19) VCF-style: chr6-79650927-T-C.
Other names: c.4949A>G (NM_017934.6); short protein forms N1650S.
Identifiers: ClinVar variation 2791382 (VCV002791382.4), dbSNP rs767510206, ClinGen allele CA141840955.
Genomic context (GRCh38, chr6:78,941,210, plus strand): 5'-TTTGCATACTGTAGCTTTTTGGGCTTTCTACCCCTTTTCTTGTGTATAATTTCACCACTA[T>C]TGGTATTAACTTCTACTTTAGGTTTCCTTCCAGGTCCCCTCTTCACAAGTTTTGATGGCT-3'
Protein context (NP_060404.4, residues 1640-1660): GRKPKVEVNT[Asn1650Ser]SGEIIHKKRG